The following is an entry in ClinVar:

NM_003384.3(VRK1):c.550C>T (p.Leu184Phe)

Gene: VRK1 (VRK serine/threonine kinase 1; plus strand). Cytogenetic location: 14q32.2.
Variant type: single nucleotide variant.
Coding change: c.550C>T on transcript NM_003384.3 (MANE Select); coding-DNA position 550, C replaced by T.
Protein change: p.Leu184Phe; replaces leucine 184 with phenylalanine.
Molecular consequence: missense variant.
Genome position (GRCh38, 1-based): chr14:96,853,140, C>T. VCF-style: chr14-96853140-C-T. GRCh37 (hg19) VCF-style: chr14-97319477-C-T.
Other names: short protein forms L184F.
Identifiers: ClinVar variation 1481883 (VCV001481883.6), dbSNP rs1452833653, ClinGen allele CA390930616.
Genomic context (GRCh38, chr14:96,853,140, plus strand): 5'-ATTCTGGAATATATTCACGAGCATGAGTATGTGCATGGAGATATCAAGGCCTCAAATCTT[C>T]TTCTGAACTACAAGAATCCTGACCAGGTAGTTTTATAACTTTAATTTCTACTATTTAAAG-3'
Protein context (NP_003375.1, residues 174-194): VHGDIKASNL[Leu184Phe]LNYKNPDQVY

ClinVar aggregate classification (germline): Uncertain significance (1 of 4 stars; one submission).

Conditions:
Pontocerebellar hypoplasia type 1A (PCH1A). Also called: PONTOCEREBELLAR HYPOPLASIA WITH ANTERIOR HORN CELL DISEASE; PONTOCEREBELLAR HYPOPLASIA WITH INFANTILE SPINAL MUSCULAR ATROPHY. Identifiers: Orphanet 2254, Orphanet 88616, MedGen C1843504, MONDO:0011866, OMIM 607596.

Allele frequency attached by ClinVar (database versions not stated): gnomAD exomes below 0.00001; gnomAD 0.00001; TOPMed 0.00001.
gnomAD v4.1: 4 of 1,613,556 alleles (0.00025%); highest among the groups gnomAD compares: Non-Finnish European, 0.00034%; no homozygotes.

Submission:

Labcorp Genetics (formerly Invitae), Labcorp
Classification: Uncertain significance for Pontocerebellar hypoplasia type 1A. Last evaluated: 2022-05-18. Review status: criteria provided, single submitter. Criteria: Invitae Variant Classification Sherloc (09022015). Collection method: clinical testing. Allele origin: germline.
Comment: This sequence change replaces leucine, which is neutral and non-polar, with phenylalanine, which is neutral and non-polar, at codon 184 of the VRK1 protein (p.Leu184Phe). This variant is not present in population databases (gnomAD no frequency). This variant has not been reported in the literature in individuals affected with VRK1-related conditions. Algorithms developed to predict the effect of missense changes on protein structure and function are either unavailable or do not agree on the potential impact of this missense change (SIFT: "Deleterious"; PolyPhen-2: "Possibly Damaging"; Align-GVGD: "Class C0"). In summary, the available evidence is currently insufficient to determine the role of this variant in disease. Therefore, it has been classified as a Variant of Uncertain Significance.